The following is an entry in ClinVar:

ClinVar aggregate classification (germline): Uncertain significance (1 of 4 stars; one submission).

Conditions:
Congenital myasthenic syndrome 8. Also called: Myasthenic syndrome, congenital, 8, with pre- and postsynaptic defects; MYASTHENIC SYNDROME, CONGENITAL, DUE TO AGRIN DEFICIENCY. Identifiers: Orphanet 590, MedGen C3808739, MONDO:0014052, OMIM 615120.

Allele frequency attached by ClinVar (database versions not stated): gnomAD exomes below 0.00001; gnomAD 0.00001; TOPMed 0.00001.
gnomAD v4.1: 6 of 1,598,742 alleles (0.00038%); highest among the groups gnomAD compares: Non-Finnish European, 0.00042%; no homozygotes.

Submission:

Labcorp Genetics (formerly Invitae), Labcorp
Classification: Uncertain significance for Congenital myasthenic syndrome 8. Last evaluated: 2021-08-02. Review status: criteria provided, single submitter. Criteria: Invitae Variant Classification Sherloc (09022015). Collection method: clinical testing. Allele origin: germline.
Comment: This sequence change replaces serine with arginine at codon 1051 of the AGRN protein (p.Ser1051Arg). The serine residue is moderately conserved and there is a moderate physicochemical difference between serine and arginine. This variant is not present in population databases (ExAC no frequency). In summary, the available evidence is currently insufficient to determine the role of this variant in disease. Therefore, it has been classified as a Variant of Uncertain Significance. Algorithms developed to predict the effect of missense changes on protein structure and function are either unavailable or do not agree on the potential impact of this missense change (SIFT: "Deleterious"; PolyPhen-2: "Possibly Damaging"; Align-GVGD: "Class C0"). This variant has not been reported in the literature in individuals affected with AGRN-related conditions.

NM_198576.4(AGRN):c.3153C>G (p.Ser1051Arg)

Gene: AGRN (agrin; plus strand). Cytogenetic location: 1p36.33.
Variant type: single nucleotide variant.
Coding change: c.3153C>G on transcript NM_198576.4 (MANE Select); coding-DNA position 3153, C replaced by G.
Protein change: p.Ser1051Arg; replaces serine 1051 with arginine.
Molecular consequence: missense variant.
Genome position (GRCh38, 1-based): chr1:1,046,638, C>G. VCF-style: chr1-1046638-C-G. GRCh37 (hg19) VCF-style: chr1-982018-C-G.
Other names: c.3153C>G, p.Ser1051Arg (NM_001305275.2); c.2838C>G, p.Ser946Arg (NM_001364727.2); short protein forms S1051R, S946R.
Identifiers: ClinVar variation 1444430 (VCV001444430.8), dbSNP rs1367992401, ClinGen allele CA337847362.
Genomic context (GRCh38, chr1:1,046,638, plus strand): 5'-CAGGACCACCGTGTGGCCCGTGCTGACGGTGCCCCCCACGGCACCCTCCCCTGCACCCAG[C>G]CTGGTGGCGTCCGCCTTTGGTGAATCTGGCAGCACTGATGGAAGCAGCGATGAGGAACTG-3'
Protein context (NP_940978.2, residues 1041-1061): VPPTAPSPAP[Ser1051Arg]LVASAFGESG